The following is an entry in ClinVar:

NM_003803.4(MYOM1):c.3083G>A (p.Cys1028Tyr)

Gene: MYOM1 (myomesin 1; minus strand). Cytogenetic location: 18p11.31.
Variant type: single nucleotide variant.
Coding change: c.3083G>A on transcript NM_003803.4 (MANE Select); coding-DNA position 3083, G replaced by A.
Protein change: p.Cys1028Tyr; replaces cysteine 1028 with tyrosine.
Molecular consequence: missense variant.
Genome position (GRCh38, 1-based): chr18:3,119,904, C>T on the plus strand (G>A on the coding strand, the complement: MYOM1 is on the minus strand). VCF-style: chr18-3119904-C-T. GRCh37 (hg19) VCF-style: chr18-3119902-C-T.
Other names: c.2795G>A, p.Cys932Tyr (NM_019856.2); short protein forms C932Y, C1028Y.
Identifiers: ClinVar variation 2898531 (VCV002898531.4), dbSNP rs2079660280, ClinGen allele CA401706905.

ClinVar aggregate classification (germline): Uncertain significance. Review status: criteria provided, multiple submitters, no conflicts (2 of 4 stars). 2 submissions from 2 submitters: Uncertain significance (2). Last evaluated 2024-06-30.

Conditions:
Hypertrophic cardiomyopathy. Also called: HYPERTROPHIC MYOCARDIOPATHY. Identifiers: Orphanet 217569, MedGen C0007194, MeSH D002312, MONDO:0005045, HP:0001639.

Submissions (2):

Ambry Genetics
Classification: Uncertain significance. Last evaluated: 2024-06-30. Review status: criteria provided, single submitter. Criteria: Ambry Variant Classification Scheme 2023. Collection method: clinical testing. Allele origin: germline.
Comment: The p.C1028Y variant (also known as c.3083G>A), located in coding exon 19 of the MYOM1 gene, results from a G to A substitution at nucleotide position 3083. The cysteine at codon 1028 is replaced by tyrosine, an amino acid with highly dissimilar properties. This amino acid position is conserved. In addition, this alteration is predicted to be tolerated by in silico analysis. Based on the available evidence, the clinical significance of this variant remains unclear.

Labcorp Genetics (formerly Invitae), Labcorp
Classification: Uncertain significance for Hypertrophic cardiomyopathy. Last evaluated: 2023-07-18. Review status: criteria provided, single submitter. Criteria: Invitae Variant Classification Sherloc (09022015). Collection method: clinical testing. Allele origin: germline.
Comment: This variant has not been reported in the literature in individuals affected with MYOM1-related conditions. Advanced modeling of protein sequence and biophysical properties (such as structural, functional, and spatial information, amino acid conservation, physicochemical variation, residue mobility, and thermodynamic stability) performed at Invitae indicates that this missense variant is not expected to disrupt MYOM1 protein function. In summary, the available evidence is currently insufficient to determine the role of this variant in disease. Therefore, it has been classified as a Variant of Uncertain Significance. This variant is not present in population databases (gnomAD no frequency). This sequence change replaces cysteine, which is neutral and slightly polar, with tyrosine, which is neutral and polar, at codon 1028 of the MYOM1 protein (p.Cys1028Tyr).